The following is an entry in ClinVar:

ClinVar aggregate classification (germline): Uncertain significance (1 of 4 stars; one submission).

Submission:

GeneDx
Classification: Uncertain significance. Last evaluated: 2025-03-19. Review status: criteria provided, single submitter. Criteria: GeneDx Variant Classification Process June 2021. Collection method: clinical testing. Allele origin: germline. Affected: yes.
Comment: Not observed at significant frequency in large population cohorts (gnomAD); Missense variant in a gene in which most reported pathogenic variants are truncating/loss of function; Reported in a cohort of patients with suspected non-ischemic cardiomyopathy after syncope or termination of sudden arrhythmic death (PMID: 38254962); This variant is associated with the following publications: (PMID: 38254962)

NM_001267550.2(TTN):c.73775G>C (p.Arg24592Thr)

Genes: TTN (titin; minus strand), TTN-AS1 (TTN antisense RNA 1; plus strand). Cytogenetic location: 2q31.2.
Variant type: single nucleotide variant.
Coding change: c.73775G>C on transcript NM_001267550.2 (MANE Select); coding-DNA position 73775, G replaced by C.
Protein change: p.Arg24592Thr; replaces arginine 24592 with threonine.
Molecular consequence: missense variant.
Genome position (GRCh38, 1-based): chr2:178,572,357, C>G on the plus strand (G>C on the coding strand, the complement: TTN is on the minus strand). VCF-style: chr2-178572357-C-G. GRCh37 (hg19) VCF-style: chr2-179437084-C-G.
Other names: c.68852G>C, p.Arg22951Thr (NM_001256850.1); c.46580G>C, p.Arg15527Thr (NM_003319.4); c.66071G>C, p.Arg22024Thr (NM_133378.4); c.46955G>C, p.Arg15652Thr (NM_133432.3); c.47156G>C, p.Arg15719Thr (NM_133437.4); short protein forms R15527T, R15652T, R15719T, R22024T, R22951T, R24592T.
Identifiers: ClinVar variation 4086774 (VCV004086774.1).
Genomic context (GRCh38, chr2:178,572,357, plus strand): 5'-TTCACAGATTCTGCGGTTTCAGCAGGCAGCCCAATGCCATATTCATTTTCTGCGAGAACC[C>G]TGAAATAGTAGCTACAGCCTTCTTGAAGCTGGTCTACCTTCCAGGAAGTCTTGTGGCAGT-3'
Protein context (NP_001254479.2, residues 24582-24602): QLQEGCSYYF[Arg24592Thr]VLAENEYGIG